The following is an entry in ClinVar:

NM_000059.4(BRCA2):c.604C>G (p.Pro202Ala)

Gene: BRCA2 (BRCA2 DNA repair associated; plus strand). Cytogenetic location: 13q13.1.
Variant type: single nucleotide variant.
Coding change: c.604C>G on transcript NM_000059.4 (MANE Select); coding-DNA position 604, C replaced by G.
Protein change: p.Pro202Ala; replaces proline 202 with alanine.
Molecular consequence: missense variant.
Genome position (GRCh38, 1-based): chr13:32,326,586, C>G. VCF-style: chr13-32326586-C-G. GRCh37 (hg19) VCF-style: chr13-32900723-C-G.
Other names: short protein forms P202A.
Identifiers: ClinVar variation 942957 (VCV000942957.10), dbSNP rs786202001, ClinGen allele CA387758224.

ClinVar aggregate classification (germline): Uncertain significance (1 of 4 stars; one submission).

Conditions:
Hereditary breast ovarian cancer syndrome. Also called: Hereditary breast and ovarian cancer syndrome (HBOC); Hereditary breast and ovarian cancer; Breast and ovarian cancer; BRCA1- and BRCA2-Associated Hereditary Breast and Ovarian Cancer; Hereditary breast and ovarian cancer syndrome; Hereditary breast and/or ovarian cancer syndrome. Identifiers: Orphanet 145, MedGen C0677776, MeSH D061325, MONDO:0003582. Disease mechanism: loss of function.

Submission:

Labcorp Genetics (formerly Invitae), Labcorp
Classification: Uncertain significance for Hereditary breast ovarian cancer syndrome. Last evaluated: 2019-09-25. Review status: criteria provided, single submitter. Criteria: Invitae Variant Classification Sherloc (09022015). Collection method: clinical testing. Allele origin: germline.
Comment: In summary, the available evidence is currently insufficient to determine the role of this variant in disease. Therefore, it has been classified as a Variant of Uncertain Significance. Algorithms developed to predict the effect of missense changes on protein structure and function (SIFT, PolyPhen-2, Align-GVGD) all suggest that this variant is likely to be disruptive, but these predictions have not been confirmed by published functional studies and their clinical significance is uncertain. This variant has not been reported in the literature in individuals with BRCA2-related conditions. This variant is not present in population databases (ExAC no frequency). This sequence change replaces proline with alanine at codon 202 of the BRCA2 protein (p.Pro202Ala). The proline residue is highly conserved and there is a small physicochemical difference between proline and alanine.